The following is an entry in ClinVar:

NM_017570.5(OPLAH):c.2076C>A (p.Cys692Ter)

Gene: OPLAH (5-oxoprolinase, ATP-hydrolysing; minus strand). Cytogenetic location: 8q24.3.
Variant type: single nucleotide variant.
Coding change: c.2076C>A on transcript NM_017570.5 (MANE Select); coding-DNA position 2076, C replaced by A.
Protein change: p.Cys692Ter; replaces cysteine 692 with a stop codon.
Molecular consequence: nonsense.
Genome position (GRCh38, 1-based): chr8:144,056,167, G>T on the plus strand (C>A on the coding strand, the complement: OPLAH is on the minus strand). VCF-style: chr8-144056167-G-T. GRCh37 (hg19) VCF-style: chr8-145111070-G-T.
Other names: short protein forms C692*.
Identifiers: ClinVar variation 1179092 (VCV001179092.2), dbSNP rs781977956, ClinGen allele CA372553326.

ClinVar aggregate classification (germline): Pathogenic (1 of 4 stars; one submission).

Conditions:
5-Oxoprolinase deficiency (OPLAHD). Also called: 5-OXOPROLINURIA DUE TO 5-OXOPROLINASE DEFICIENCY. Identifiers: Orphanet 33572, MedGen C0268525, MONDO:0009825, OMIM 260005, HP:0040142.

Submission:

Fulgent Genetics
Classification: Pathogenic for 5-Oxoprolinase deficiency. Last evaluated: 2021-06-30. Review status: criteria provided, single submitter. Criteria: ACMG Guidelines, 2015. Collection method: clinical testing. Allele origin: unknown.
Comment: This variant has been detected in individual(s) who were sent for testing of Renasight - kidney gene panel.